The following is an entry in ClinVar:

NM_017514.5(PLXNA3):c.4288-7G>T

Gene: PLXNA3 (plexin A3; plus strand). Cytogenetic location: Xq28.
Variant type: single nucleotide variant.
Coding change: c.4288-7G>T on transcript NM_017514.5 (MANE Select); 7 bases into the intron before coding-DNA position 4288, G replaced by T.
Molecular consequence: intron variant.
Genome position (GRCh38, 1-based): chrX:154,468,816, G>T. VCF-style: chrX-154468816-G-T. GRCh37 (hg19) VCF-style: chrX-153697159-G-T.
Identifiers: ClinVar variation 4996128 (VCV004996128.1).

ClinVar aggregate classification (germline): Likely benign (1 of 4 stars; one submission).

Conditions:
PLXNA3-related disorder. Also called: PLXNA3-related condition.

gnomAD v4.1: 3 of 1,210,132 alleles (0.00025%); highest among the groups gnomAD compares: East Asian, 0.0059%; no homozygotes.

Submission:

PreventionGenetics, part of Exact Sciences
Classification: Likely benign for PLXNA3-related condition. Last evaluated: 2025-09-30. Review status: criteria provided, single submitter. Criteria: ACMG Guidelines, 2015. Collection method: clinical testing. Allele origin: germline.
Comment: This variant is classified as likely benign based on ACMG/AMP sequence variant interpretation guidelines (Richards et al. 2015 PMID: 25741868, with internal and published modifications).